The following is an entry in ClinVar:

NM_000053.4(ATP7B):c.2866-1521G>A

Gene: ATP7B (ATPase copper transporting beta; minus strand). Cytogenetic location: 13q14.3.
Variant type: single nucleotide variant.
Coding change: c.2866-1521G>A on transcript NM_000053.4 (MANE Select); 1521 bases into the intron before coding-DNA position 2866, G replaced by A.
Molecular consequence: intron variant.
Genome position (GRCh38, 1-based): chr13:51,947,999, C>T on the plus strand (G>A on the coding strand, the complement: ATP7B is on the minus strand). VCF-style: chr13-51947999-C-T. GRCh37 (hg19) VCF-style: chr13-52522135-C-T.
Other names: c.2578-1521G>A (NM_001406534.1); c.2632-1521G>A (NM_001406538.1, NM_001330578.2, NM_001406527.1 and 1 more transcripts); c.2722-1521G>A (NM_001406520.1, NM_001406521.1, NM_001406522.1); c.2730+2008G>A (NM_001406535.1); c.2731-1521G>A (NM_001406519.1); c.2812-1521G>A (NM_001406515.1, NM_001406516.1); c.2865+1663G>A (NM_001406525.1); c.2866-1521G>A (NM_001406523.1, NM_001406526.1, NM_001406513.1 and 3 more transcripts); and 18 more.
Identifiers: ClinVar variation 2578705 (VCV002578705.27), dbSNP rs915988161, ClinGen allele CA250083335.
Genomic context (GRCh38, chr13:51,947,999, plus strand): 5'-AGATTCCAACTTGTTTAGGACTGAGTCTTCCCATGGCCATATGCCAACGCACTGCTTTCC[C>T]GAAAAAGCCGAAATTATAGGCAGTCAGGTGCCATGGATAGCCACAGGCACATTCTACCAA-3'

ClinVar aggregate classification (germline): Conflicting classifications of pathogenicity. Review status: criteria provided, conflicting classifications (1 of 4 stars). 4 submissions from 4 submitters: Pathogenic (2); Likely pathogenic (1); Uncertain significance (1). Last evaluated 2025-12-18.

Conditions:
Wilson disease (WND). Also called: Wilson's disease. Identifiers: Orphanet 905, MedGen C0019202, MONDO:0010200, OMIM 277900. Disease mechanism: loss of function.

Allele frequency attached by ClinVar (database versions not stated): gnomAD 0.00004; TOPMed 0.00004.

Submissions (4):

3billion
Classification: Likely pathogenic for Wilson disease. Last evaluated: 2025-12-18. Review status: criteria provided, single submitter. Criteria: ACMG Guidelines, 2015. Collection method: clinical testing. Allele origin: germline. Affected: yes.
Comment: The variant is observed at an extremely low frequency in the gnomAD v4.1.0 dataset (total allele frequency: 0.004%). Predicted Consequence/Location: Intron variant In silico tools predict the variant to alter splicing and produce an abnormal transcript [SpliceAI: 0.69 (>=0.2, moderate evidence for spliceogenicity)]. The variant has been reported to be in trans with a pathogenic variant as either compound heterozygous or homozygous in at least one similarly affected unrelated individual (PMID: 32770663). The variant has been reported to be associated with ATP7B-related disorder (ClinVar ID: VCV002578705 /PMID: 32770663). Therefore, this variant is classified as Likely pathogenic according to the recommendation of ACMG/AMP guideline.

CeGaT Center for Human Genetics Tuebingen
Classification: Pathogenic. Last evaluated: 2025-12-01. Review status: criteria provided, single submitter. Criteria: CeGaT Center For Human Genetics Tuebingen Variant Classification Criteria Version 2. Collection method: clinical testing. Allele origin: germline. Affected: yes. Observed: 2 variant alleles.
Comment: ATP7B: PM3:Strong, PM2, PP1:Moderate, PP3, PP4, PS3:Supporting

Natera, Inc.
Classification: Pathogenic for Wilson disease. Last evaluated: 2024-11-06. Review status: criteria provided, single submitter. Criteria: Natera Variant Classification Schema (03/2026). Collection method: clinical testing. Allele origin: germline.
Comment: The c.2866-1521G>A variant in ATP7B is an intronic variant located outside the canonical splice sites. This variant is rare in the general population with a frequency below the threshold expected for the associated phenotype(s). This variant has been observed in one or more individuals affected with the associated recessive disease, as either homozygous or compound heterozygous with a second variant (PMID: 32770663). Additionally, this variant has been observed to segregate in affected family members (PMID: 32770663). Functional studies show that this variant may disrupt protein function (PMID: 32770663). Given the available evidence, this variant is classified as Pathogenic.

Lildballe Lab, Aarhus University Hospital
Classification: Uncertain significance for Wilson disease. Last evaluated: 2024-08-29. Review status: criteria provided, single submitter. Criteria: ACMG Guidelines, 2015. Collection method: clinical testing. Allele origin: germline. Affected: yes.
Comment: PS3, PM2, BP4

Literature cited by the submitters: PubMed 32770663 (cited by 3billion and Natera, Inc.).